The following is an entry in ClinVar:

ClinVar aggregate classification (germline): Uncertain significance. Review status: criteria provided, multiple submitters, no conflicts (2 of 4 stars). 2 submissions from 2 submitters: Uncertain significance (2). Last evaluated 2024-12-21.

Conditions:
Progressive myoclonic epilepsy. Also called: Progressive myoclonus epilepsy; Familial progressive myoclonic epilepsy; Myoclonus epilepsy; Myoclonic Epilepsies, Progressive. Identifiers: Orphanet 308, Orphanet 98261, MedGen C0751778, MONDO:0020074.
Inborn genetic diseases. Identifiers: MedGen C0950123, MeSH D030342.

Allele frequency attached by ClinVar (database versions not stated): gnomAD 0.00001; gnomAD exomes 0.00001; TOPMed 0.00003.
gnomAD v4.1: 11 of 1,432,156 alleles (0.00077%); highest among the groups gnomAD compares: Admixed American, 0.0049%; no homozygotes.

Submissions (2):

Ambry Genetics
Classification: Uncertain significance for Inborn genetic diseases. Last evaluated: 2024-12-21. Review status: criteria provided, single submitter. Criteria: Ambry Variant Classification Scheme 2023. Collection method: clinical testing. Allele origin: germline.

Labcorp Genetics (formerly Invitae), Labcorp
Classification: Uncertain significance for Progressive myoclonic epilepsy. Last evaluated: 2022-07-27. Review status: criteria provided, single submitter. Criteria: Invitae Variant Classification Sherloc (09022015). Collection method: clinical testing. Allele origin: germline.
Comment: This sequence change replaces proline, which is neutral and non-polar, with leucine, which is neutral and non-polar, at codon 57 of the EPM2A protein (p.Pro57Leu). The frequency data for this variant in the population databases is considered unreliable, as metrics indicate poor data quality at this position in the gnomAD database. This variant has not been reported in the literature in individuals affected with EPM2A-related conditions. ClinVar contains an entry for this variant (Variation ID: 462930). Algorithms developed to predict the effect of missense changes on protein structure and function are either unavailable or do not agree on the potential impact of this missense change (SIFT: "Deleterious"; PolyPhen-2: "Probably Damaging"; Align-GVGD: "Class C0"). In summary, the available evidence is currently insufficient to determine the role of this variant in disease. Therefore, it has been classified as a Variant of Uncertain Significance.

NM_005670.4(EPM2A):c.170C>T (p.Pro57Leu)

Genes: EPM2A-DT (EPM2A divergent transcript; plus strand), EPM2A (EPM2A glucan phosphatase, laforin; minus strand), LOC129997381 (ATAC-STARR-seq lymphoblastoid silent region 17642; plus strand). Cytogenetic location: 6q24.3.
Variant type: single nucleotide variant.
Coding change: c.170C>T on transcript NM_005670.4 (MANE Select); coding-DNA position 170, C replaced by T.
Protein change: p.Pro57Leu; replaces proline 57 with leucine.
Molecular consequence: missense variant. On other transcripts: 5 prime UTR variant (3), intron variant (1).
Genome position (GRCh38, 1-based): chr6:145,735,329, G>A on the plus strand (C>T on the coding strand, the complement: EPM2A is on the minus strand). VCF-style: chr6-145735329-G-A. GRCh37 (hg19) VCF-style: chr6-146056465-G-A.
Other names: c.170C>T, p.Pro57Leu (NM_001018041.2, NM_001360057.2, NM_001368130.1); c.-500C>T (NM_001360071.2); c.-454C>T (NM_001368129.2); c.-198C>T (NM_001368131.1); c.-114+579C>T (NM_001360064.2); short protein forms P57L.
Identifiers: ClinVar variation 462930 (VCV000462930.12), dbSNP rs1229724993, ClinGen allele CA366188139.
Genomic context (GRCh38, chr6:145,735,329, plus strand): 5'-TCCGCCCCGTCCTGCGCCGCCTCCTCGGCCGCCAGCTCCACCTCCCCGAGCCACAGGCCC[G>A]GCTCCTGCAGGGCCAGGGCCCCGTCGCCCGCCGCGGTGCCGGCCGGCCTCAGGCGGACGG-3'
Protein context (NP_005661.1, residues 47-67): AGDGALALQE[Pro57Leu]GLWLGEVELA